The following is an entry in ClinVar:

NM_001005361.3(DNM2):c.2185C>G (p.Leu729Val)

Gene: DNM2 (dynamin 2; plus strand). Cytogenetic location: 19p13.2.
Variant type: single nucleotide variant.
Coding change: c.2185C>G on transcript NM_001005361.3 (MANE Select); coding-DNA position 2185, C replaced by G.
Protein change: p.Leu729Val; replaces leucine 729 with valine.
Molecular consequence: missense variant.
Genome position (GRCh38, 1-based): chr19:10,829,162, C>G. VCF-style: chr19-10829162-C-G. GRCh37 (hg19) VCF-style: chr19-10939838-C-G.
Other names: c.2185C>G, p.Leu729Val (NM_001005360.3, NM_001190716.2); c.2173C>G, p.Leu725Val (NM_001005362.3, NM_004945.4); short protein forms L725V, L729V.
Identifiers: ClinVar variation 1992359 (VCV001992359.4), dbSNP rs1444809174, ClinGen allele CA404042971.

ClinVar aggregate classification (germline): Uncertain significance. Review status: criteria provided, multiple submitters, no conflicts (2 of 4 stars). 2 submissions from 2 submitters: Uncertain significance (2). Last evaluated 2024-07-16.

Conditions:
Charcot-Marie-Tooth disease dominant intermediate B (CMTDIB). Also called: Charcot-Marie-Tooth disease dominant intermediate 1; CMT DI1; Charcot-Marie-Tooth disease dominant intermediate I; CHARCOT-MARIE-TOOTH NEUROPATHY, DOMINANT INTERMEDIATE B. Identifiers: Orphanet 100044, Orphanet 228179, MedGen C1847902, MONDO:0011674, OMIM 606482.

Allele frequency attached by ClinVar (database versions not stated): gnomAD exomes below 0.00001; TOPMed below 0.00001; gnomAD 0.00001.
gnomAD v4.1: 2 of 1,613,918 alleles (0.00012%); highest among the groups gnomAD compares: Non-Finnish European, 0.00017%; no homozygotes.

Submissions (2):

Labcorp Genetics (formerly Invitae), Labcorp
Classification: Uncertain significance for Charcot-Marie-Tooth disease dominant intermediate B. Last evaluated: 2024-07-16. Review status: criteria provided, single submitter. Criteria: Invitae Variant Classification Sherloc (09022015). Collection method: clinical testing. Allele origin: germline.
Comment: This sequence change replaces leucine, which is neutral and non-polar, with valine, which is neutral and non-polar, at codon 729 of the DNM2 protein (p.Leu729Val). This variant is not present in population databases (gnomAD no frequency). This missense change has been observed in at least one individual who was not affected with DNM2-related conditions (Invitae). ClinVar contains an entry for this variant (Variation ID: 1992359). Advanced modeling of protein sequence and biophysical properties (such as structural, functional, and spatial information, amino acid conservation, physicochemical variation, residue mobility, and thermodynamic stability) has been performed at Invitae for this missense variant, however the output from this modeling did not meet the statistical confidence thresholds required to predict the impact of this variant on DNM2 protein function. In summary, the available evidence is currently insufficient to determine the role of this variant in disease. Therefore, it has been classified as a Variant of Uncertain Significance.

MVZ Martinsried, Medicover Genetics
Classification: Uncertain significance for Charcot-Marie-Tooth disease dominant intermediate B. Last evaluated: 2022-06-15. Review status: criteria provided, single submitter. Criteria: ACGS Guidelines, 2020. Collection method: clinical testing. Allele origin: unknown. Affected: yes.